The following is an entry in ClinVar:

NM_001267550.2(TTN):c.48654T>A (p.Gly16218=)

Genes: TTN (titin; minus strand), TTN-AS1 (TTN antisense RNA 1; plus strand), LOC126806426 (BRD4-independent group 4 enhancer GRCh37_chr2:179478848-179480047; plus strand). Cytogenetic location: 2q31.2.
Variant type: single nucleotide variant.
Coding change: c.48654T>A on transcript NM_001267550.2 (MANE Select); coding-DNA position 48654, T replaced by A.
Protein change: p.Gly16218=; no amino-acid change (glycine 16218 retained).
Molecular consequence: synonymous variant.
Genome position (GRCh38, 1-based): chr2:178,614,953, A>T on the plus strand (T>A on the coding strand, the complement: TTN is on the minus strand). VCF-style: chr2-178614953-A-T. GRCh37 (hg19) VCF-style: chr2-179479680-A-T.
Other names: c.22035T>A, p.Gly7345= (NM_133437.4); c.21834T>A, p.Gly7278= (NM_133432.3); c.43731T>A, p.Gly14577= (NM_001256850.1); c.21459T>A, p.Gly7153= (NM_003319.4); c.40950T>A, p.Gly13650= (NM_133378.4).
Identifiers: ClinVar variation 1161928 (VCV001161928.14), dbSNP rs1258062795, ClinGen allele CA430104382.

ClinVar aggregate classification (germline): Likely benign. Review status: criteria provided, multiple submitters, no conflicts (2 of 4 stars). 3 submissions from 3 submitters: Likely benign (3). Last evaluated 2026-07-01.

Conditions:
Cardiovascular phenotype. Identifiers: MedGen CN230736.
Dilated cardiomyopathy 1G (CMD1G). Identifiers: Orphanet 154, MedGen C1858763, MONDO:0011400, OMIM 604145.
Autosomal recessive limb-girdle muscular dystrophy type 2J (LGMDR10). Also called: Limb-girdle muscular dystrophy, type 2J; MUSCULAR DYSTROPHY, LIMB-GIRDLE, AUTOSOMAL RECESSIVE 10. Identifiers: Orphanet 140922, MedGen C1837342, MONDO:0012127, OMIM 608807.

Allele frequency attached by ClinVar (database versions not stated): TOPMed below 0.00001; gnomAD exomes 0.00001 and 0.00002.
gnomAD v4.1: 8 of 1,598,328 alleles (0.0005%); highest among the groups gnomAD compares: Admixed American, 0.0052%; no homozygotes.

Submissions (3):

CeGaT Center for Human Genetics Tuebingen
Classification: Likely benign. Last evaluated: 2026-07-01. Review status: criteria provided, single submitter. Criteria: CeGaT Center For Human Genetics Tuebingen Variant Classification Criteria Version 2. Collection method: clinical testing. Allele origin: germline. Affected: yes. Observed: 3 variant alleles.
Comment: TTN: BP4, BP7

Labcorp Genetics (formerly Invitae), Labcorp
Classification: Likely benign for Dilated cardiomyopathy 1G; Autosomal recessive limb-girdle muscular dystrophy type 2J. Last evaluated: 2025-08-18. Review status: criteria provided, single submitter. Criteria: Invitae Variant Classification Sherloc (09022015). Collection method: clinical testing. Allele origin: germline.

Ambry Genetics
Classification: Likely benign for Cardiovascular phenotype. Last evaluated: 2024-10-27. Review status: criteria provided, single submitter. Criteria: Ambry Variant Classification Scheme 2023. Collection method: clinical testing. Allele origin: germline.